The following is an entry in ClinVar:

ClinVar aggregate classification (germline): Pathogenic (1 of 4 stars; one submission).

Conditions:
Charcot-Marie-Tooth disease type 2. Also called: Charcot-Marie-Tooth type 2. Identifiers: Orphanet 64746, MedGen C0270914, MONDO:0018993.

Submission:

Labcorp Genetics (formerly Invitae), Labcorp
Classification: Pathogenic for Charcot-Marie-Tooth disease type 2. Last evaluated: 2023-07-14. Review status: criteria provided, single submitter. Criteria: Invitae Variant Classification Sherloc (09022015). Collection method: clinical testing. Allele origin: germline.
Comment: This variant disrupts a region of the LMNA protein in which other variant(s) (p.Glu203Lys) have been determined to be pathogenic (PMID: 10580070, 11561226, 18795223, 22464770). This suggests that this is a clinically significant region of the protein, and that variants that disrupt it are likely to be disease-causing. Experimental studies and prediction algorithms are not available or were not evaluated, and the functional significance of this variant is currently unknown. ClinVar contains an entry for this variant (Variation ID: 408987). This variant has not been reported in the literature in individuals affected with LMNA-related conditions. This variant is not present in population databases (gnomAD no frequency). This variant, c.606_608del, results in the deletion of 1 amino acid(s) of the LMNA protein (p.Glu203del), but otherwise preserves the integrity of the reading frame. For these reasons, this variant has been classified as Pathogenic.

Literature cited by the submitters: PubMed 10580070; PubMed 11561226; PubMed 18795223; PubMed 22464770.

NM_170707.4(LMNA):c.603GGA[1] (p.Glu203del)

Gene: LMNA (lamin A/C; plus strand). Cytogenetic location: 1q22.
Variant type: Microsatellite.
Coding change: c.603GGA[1] on transcript NM_170707.4 (MANE Select); one copy of the 3-base unit GGA starting at c.603; the reference has two copies in a row; one copy, 3 bases deleted.
Protein change: p.Glu203del; deletes glutamic acid 203.
Molecular consequence: inframe deletion.
Genome position (GRCh38, 1-based): chr1:156,134,495-156,134,497, GGA deleted; deleting any 3 consecutive bases within chr1:156,134,491-156,134,497 gives the same sequence; the position shown is the placement nearest the transcript's 3' end. VCF-style (leftmost placement, unchanged base first): chr1-156134490-AAGG-A. GRCh37 (hg19) VCF-style: chr1-156104281-AAGG-A.
Other names: c.267GGA[1], p.Glu91del (NM_001257374.3); c.360GGA[1], p.Glu122del (NM_001282624.2); c.603GGA[1], p.Glu203del (NM_001282625.2, NM_001282626.2, NM_005572.4 and 1 more transcripts); short protein forms E203del, E122del, E91del.
Identifiers: ClinVar variation 408987 (VCV000408987.8), dbSNP rs1060502210, ClinGen allele CA16609887.